The following is an entry in ClinVar:

NM_007209.4(RPL35):c.344C>T (p.Pro115Leu)

Gene: RPL35 (ribosomal protein L35; minus strand). Cytogenetic location: 9q33.3.
Variant type: single nucleotide variant.
Coding change: c.344C>T on transcript NM_007209.4 (MANE Select); coding-DNA position 344, C replaced by T.
Protein change: p.Pro115Leu; replaces proline 115 with leucine.
Molecular consequence: missense variant.
Genome position (GRCh38, 1-based): chr9:124,857,946, G>A on the plus strand (C>T on the coding strand, the complement: RPL35 is on the minus strand). VCF-style: chr9-124857946-G-A. GRCh37 (hg19) VCF-style: chr9-127620225-G-A.
Other names: short protein forms P115L.
Identifiers: ClinVar variation 2047062 (VCV002047062.8), dbSNP rs200698441, ClinGen allele CA5237173.

ClinVar aggregate classification (germline): Conflicting classifications of pathogenicity. Review status: criteria provided, conflicting classifications (1 of 4 stars). 3 submissions from 3 submitters: Uncertain significance (2); Likely benign (1). Last evaluated 2026-05-18.

Conditions:
RPL35-related disorder. Also called: RPL35-related condition.

Allele frequency attached by ClinVar (database versions not stated): 1000 Genomes Project 30x 0.00016; ESP Exome Variant Server 0.00031; ExAC 0.00036.

Submissions (3):

PreventionGenetics, part of Exact Sciences
Classification: Likely benign for RPL35-related condition. Last evaluated: 2026-05-18. Review status: criteria provided, single submitter. Criteria: ACMG Guidelines, 2015. Collection method: clinical testing. Allele origin: germline.
Comment: This variant is classified as likely benign based on ACMG/AMP sequence variant interpretation guidelines (Richards et al. 2015 PMID: 25741868, with internal and published modifications).

Labcorp Genetics (formerly Invitae), Labcorp
Classification: Uncertain significance. Last evaluated: 2026-02-01. Review status: criteria provided, single submitter. Criteria: Invitae Variant Classification Sherloc (09022015). Collection method: clinical testing. Allele origin: germline.
Comment: This sequence change replaces proline, which is neutral and non-polar, with leucine, which is neutral and non-polar, at codon 115 of the RPL35 protein (p.Pro115Leu). This variant is present in population databases (rs200698441, gnomAD 0.06%), and has an allele count higher than expected for a pathogenic variant. This variant has not been reported in the literature in individuals affected with RPL35-related conditions. ClinVar contains an entry for this variant (Variation ID: 2047062). An algorithm developed to predict the effect of missense changes on protein structure and function (PolyPhen-2) suggests that this variant is likely to be tolerated. In summary, the available evidence is currently insufficient to determine the role of this variant in disease. Therefore, it has been classified as a Variant of Uncertain Significance.

Ambry Genetics
Classification: Uncertain significance. Last evaluated: 2024-09-30. Review status: criteria provided, single submitter. Criteria: Ambry Variant Classification Scheme 2023. Collection method: clinical testing. Allele origin: germline.